The following is an entry in ClinVar:

ClinVar aggregate classification (germline): Uncertain significance. Review status: criteria provided, multiple submitters, no conflicts (2 of 4 stars). 2 submissions from 2 submitters: Uncertain significance (2). Last evaluated 2024-03-27.

Conditions:
Hereditary cancer-predisposing syndrome. Also called: Neoplastic Syndromes, Hereditary; Tumor predisposition; Hereditary neoplastic syndrome; Hereditary Cancer Syndrome. Identifiers: Orphanet 140162, MedGen C0027672, MeSH D009386, MONDO:0015356.

Submissions (2):

Quest Diagnostics Nichols Institute San Juan Capistrano
Classification: Uncertain significance. Last evaluated: 2024-03-27. Review status: criteria provided, single submitter. Criteria: Quest Diagnostics criteria. Collection method: clinical testing. Allele origin: unknown.
Comment: The PMS2 c.353+6dup variant has not been reported in individuals with PMS2-related conditions in the published literature. It also has not been reported in large, multi-ethnic general populations (Genome Aggregation Database). Analysis of this variant using software algorithms for the prediction of the effect of nucleotide changes on splicing yielded predictions that this variant does not affect PMS2 mRNA splicing. Based on the available information, we are unable to determine the clinical significance of this variant.

Color Diagnostics, LLC DBA Color Health
Classification: Uncertain significance for Hereditary cancer-predisposing syndrome. Last evaluated: 2020-03-23. Review status: criteria provided, single submitter. Criteria: ACMG Guidelines, 2015. Collection method: clinical testing. Allele origin: germline.
Comment: This variant causes a duplication of T nucleotide at +6 position of intron 4 of the PMS2 gene. To our knowledge, functional studies have not been reported for this variant. This variant has not been reported in individuals affected with hereditary cancer in the literature. This variant has not been identified in the general population by the Genome Aggregation Database (gnomAD). The available evidence is insufficient to determine the role of this variant in disease conclusively. Therefore, this variant is classified as a Variant of Uncertain Significance.

NM_000535.7(PMS2):c.353+6dup

Gene: PMS2 (PMS1 homolog 2, mismatch repair system component; minus strand). Cytogenetic location: 7p22.1.
Variant type: Duplication.
Coding change: c.353+6dup on transcript NM_000535.7 (MANE Select); 6 bases into the intron after coding-DNA position 353, one base duplicated (A; older notation c.353+6dupA).
Molecular consequence: intron variant.
Genome position (GRCh38, 1-based): chr7:6,003,684, T duplicated on the plus strand (A on the coding strand, the reverse complement: PMS2 is on the minus strand). VCF-style (leftmost placement, unchanged base first): chr7-6003683-G-GT. GRCh37 (hg19) VCF-style: chr7-6043314-G-GT.
Other names: c.35+288dup (NM_001322008.2, NM_001322007.2); c.-53+6dup (NM_001322010.2, NM_001322004.2, NM_001322013.2 and 3 more transcripts); c.-532+6dup (NM_001322012.2, NM_001322011.2); c.-132+6dup (NM_001322015.2); c.353+6dup (NM_001322006.2, NM_001322014.2).
Identifiers: ClinVar variation 629225 (VCV000629225.5), dbSNP rs1562693353, ClinGen allele CA913188252.